The following is an entry in ClinVar:

NM_001040108.2(MLH3):c.1214A>G (p.Asn405Ser)

Gene: MLH3 (mutL homolog 3; minus strand). Cytogenetic location: 14q24.3.
Variant type: single nucleotide variant.
Coding change: c.1214A>G on transcript NM_001040108.2 (MANE Select); coding-DNA position 1214, A replaced by G.
Protein change: p.Asn405Ser; replaces asparagine 405 with serine.
Molecular consequence: missense variant.
Genome position (GRCh38, 1-based): chr14:75,048,442, T>C on the plus strand (A>G on the coding strand, the complement: MLH3 is on the minus strand). VCF-style: chr14-75048442-T-C. GRCh37 (hg19) VCF-style: chr14-75515145-T-C.
Other names: c.1214A>G, p.Asn405Ser (NM_014381.3); short protein forms N405S.
Identifiers: ClinVar variation 3232429 (VCV003232429.1), dbSNP rs1892421995, ClinGen allele CA390446981.

ClinVar aggregate classification (germline): Uncertain significance (1 of 4 stars; one submission).

Allele frequency attached by ClinVar (database versions not stated): gnomAD exomes below 0.00001; TOPMed below 0.00001; gnomAD 0.00001.
gnomAD v4.1: 3 of 1,610,932 alleles (0.00019%); highest among the groups gnomAD compares: African/African-American, 0.0013%; no homozygotes.

Submission:

Ambry Genetics
Classification: Uncertain significance. Last evaluated: 2023-09-17. Review status: criteria provided, single submitter. Criteria: Ambry Variant Classification Scheme 2023. Collection method: clinical testing. Allele origin: germline.
Comment: The p.N405S variant (also known as c.1214A>G), located in coding exon 1 of the MLH3 gene, results from an A to G substitution at nucleotide position 1214. The asparagine at codon 405 is replaced by serine, an amino acid with highly similar properties. This amino acid position is conserved. In addition, this alteration is predicted to be tolerated by in silico analysis. Since supporting evidence is limited at this time, the clinical significance of this alteration remains unclear.